The following is an entry in ClinVar:

ClinVar aggregate classification (germline): Uncertain significance. Review status: criteria provided, single submitter (1 of 4 stars). 2 submissions from 2 submitters: Uncertain significance (1). 1 of the submissions does not count toward it. Last evaluated 2022-07-01.

Conditions:
PDE6B-related disorder. Also called: PDE6B-related disorders; PDE6B-related disease; PDE6B-related condition.

Allele frequency attached by ClinVar (database versions not stated): TOPMed 0.00001.
gnomAD v4.1: 4 of 1,612,176 alleles (0.00025%); highest among the groups gnomAD compares: Middle Eastern, 0.017%; no homozygotes.

Submissions (2):

Labcorp Genetics (formerly Invitae), Labcorp
Classification: Uncertain significance. Last evaluated: 2022-07-01. Review status: criteria provided, single submitter. Criteria: Invitae Variant Classification Sherloc (09022015). Collection method: clinical testing. Allele origin: germline.
Comment: In summary, the available evidence is currently insufficient to determine the role of this variant in disease. Therefore, it has been classified as a Variant of Uncertain Significance. Algorithms developed to predict the effect of missense changes on protein structure and function are either unavailable or do not agree on the potential impact of this missense change (SIFT: "Tolerated"; PolyPhen-2: "Possibly Damaging"; Align-GVGD: "Class C0"). ClinVar contains an entry for this variant (Variation ID: 1381884). This variant has not been reported in the literature in individuals affected with PDE6B-related conditions. This variant is not present in population databases (gnomAD no frequency). This sequence change replaces glutamic acid, which is acidic and polar, with aspartic acid, which is acidic and polar, at codon 685 of the PDE6B protein (p.Glu685Asp).

PreventionGenetics, part of Exact Sciences
Classification: Uncertain significance for PDE6B-related condition. Last evaluated: 2024-09-16. Review status: no assertion criteria provided. Collection method: clinical testing. Allele origin: germline. Not counted in ClinVar's aggregate classification.
Comment: The PDE6B c.2055G>C variant is predicted to result in the amino acid substitution p.Glu685Asp. To our knowledge, this variant has not been reported in the literature or in a large population database, indicating this variant is rare. At this time, the clinical significance of this variant is uncertain due to the absence of conclusive functional and genetic evidence.

NM_000283.4(PDE6B):c.2055G>C (p.Glu685Asp)

Gene: PDE6B (phosphodiesterase 6B; plus strand). Cytogenetic location: 4p16.3.
Variant type: single nucleotide variant.
Coding change: c.2055G>C on transcript NM_000283.4 (MANE Select); coding-DNA position 2055, G replaced by C.
Protein change: p.Glu685Asp; replaces glutamic acid 685 with aspartic acid.
Molecular consequence: missense variant.
Genome position (GRCh38, 1-based): chr4:664,147, G>C. VCF-style: chr4-664147-G-C. GRCh37 (hg19) VCF-style: chr4-657936-G-C.
Other names: c.2055G>C, p.Glu685Asp (NM_001145291.2); c.1218G>C, p.Glu406Asp (NM_001145292.2, NM_001350154.3, NM_001379246.1 and 1 more transcripts); c.900G>C, p.Glu300Asp (NM_001350155.3); c.2055G>C (NM_000283.3); short protein forms E300D, E406D, E685D.
Identifiers: ClinVar variation 1381884 (VCV001381884.7), dbSNP rs199531882, ClinGen allele CA91090635.